The following is an entry in ClinVar:

ClinVar aggregate classification (germline): Uncertain significance (1 of 4 stars; one submission).

Allele frequency attached by ClinVar (database versions not stated): TOPMed below 0.00001; gnomAD 0.00001; ESP Exome Variant Server 0.00008.
gnomAD v4.1: 1 of 1,595,950 alleles (0.000063%); highest among the groups gnomAD compares: Non-Finnish European, 0.000085%; no homozygotes.

Submission:

Labcorp Genetics (formerly Invitae), Labcorp
Classification: Uncertain significance. Last evaluated: 2022-04-01. Review status: criteria provided, single submitter. Criteria: Invitae Variant Classification Sherloc (09022015). Collection method: clinical testing. Allele origin: germline.
Comment: In summary, the available evidence is currently insufficient to determine the role of this variant in disease. Therefore, it has been classified as a Variant of Uncertain Significance. Algorithms developed to predict the effect of missense changes on protein structure and function output the following: SIFT: "Tolerated"; PolyPhen-2: "Benign"; Align-GVGD: "Class C0". The isoleucine amino acid residue is found in multiple mammalian species, which suggests that this missense change does not adversely affect protein function. This variant has not been reported in the literature in individuals affected with TNNI3K-related conditions. This variant is not present in population databases (gnomAD no frequency). This sequence change replaces valine, which is neutral and non-polar, with isoleucine, which is neutral and non-polar, at codon 195 of the TNNI3K protein (p.Val195Ile).

NM_015978.3(TNNI3K):c.583G>A (p.Val195Ile)

Genes: FPGT-TNNI3K (FPGT-TNNI3K readthrough; plus strand), TNNI3K (TNNI3 interacting kinase; plus strand). Cytogenetic location: 1p31.1.
Variant type: single nucleotide variant.
Coding change: c.583G>A on transcript NM_015978.3 (MANE Select); coding-DNA position 583, G replaced by A.
Protein change: p.Val195Ile; replaces valine 195 with isoleucine.
Molecular consequence: missense variant.
Genome position (GRCh38, 1-based): chr1:74,336,050, G>A. VCF-style: chr1-74336050-G-A. GRCh37 (hg19) VCF-style: chr1-74801734-G-A.
Other names: c.886G>A, p.Val296Ile (NM_001112808.3, NM_001199327.2); short protein forms V195I, V296I.
Identifiers: ClinVar variation 2117831 (VCV002117831.4), dbSNP rs374564556, ClinGen allele CA24518682.